The following is an entry in ClinVar:

NM_024753.5(TTC21B):c.1357A>G (p.Met453Val)

Gene: TTC21B (tetratricopeptide repeat domain 21B; minus strand). Cytogenetic location: 2q24.3.
Variant type: single nucleotide variant.
Coding change: c.1357A>G on transcript NM_024753.5 (MANE Select); coding-DNA position 1357, A replaced by G.
Protein change: p.Met453Val; replaces methionine 453 with valine.
Molecular consequence: missense variant.
Genome position (GRCh38, 1-based): chr2:165,929,164, T>C on the plus strand (A>G on the coding strand, the complement: TTC21B is on the minus strand). VCF-style: chr2-165929164-T-C. GRCh37 (hg19) VCF-style: chr2-166785674-T-C.
Other names: short protein forms M453V.
Identifiers: ClinVar variation 1392930 (VCV001392930.9), dbSNP rs754773733, ClinGen allele CA1942171.

ClinVar aggregate classification (germline): Uncertain significance. Review status: criteria provided, multiple submitters, no conflicts (2 of 4 stars). 3 submissions from 3 submitters: Uncertain significance (3). Last evaluated 2025-04-28.

Conditions:
Jeune thoracic dystrophy. Also called: Jeune syndrome; Infantile thoracic dystrophy; Thoracic pelvic phalangeal dystrophy; Jeune's syndrome; Chondroectodermal dysplasia-like syndrome; Short-rib thoracic dysplasia. Identifiers: Orphanet 474, MedGen C0265275, MONDO:0018770.
Nephronophthisis. Also called: Juvenile Nephronophthisis. Identifiers: Orphanet 655, MedGen C0687120, MONDO:0019005, HP:0000090.
Asphyxiating thoracic dystrophy 4 (SRTD4). Also called: SHORT-RIB THORACIC DYSPLASIA 4 WITH OR WITHOUT POLYDACTYLY; SHORT-RIB THORACIC DYSPLASIA 4. Identifiers: Orphanet 474, MedGen C3151185, MONDO:0013441, OMIM 613819.
Nephronophthisis 12 (NPHP12). Identifiers: Orphanet 655, MedGen C3151186, MONDO:0013442, OMIM 613820.

Allele frequency attached by ClinVar (database versions not stated): gnomAD 0.00002; TOPMed 0.00002.
gnomAD v4.1: 29 of 1,612,760 alleles (0.0018%); highest among the groups gnomAD compares: Non-Finnish European, 0.0022%; no homozygotes.

Submissions (3):

Labcorp Genetics (formerly Invitae), Labcorp
Classification: Uncertain significance for Jeune thoracic dystrophy; Nephronophthisis. Last evaluated: 2025-04-28. Review status: criteria provided, single submitter. Criteria: Invitae Variant Classification Sherloc (09022015). Collection method: clinical testing. Allele origin: germline.
Comment: This sequence change replaces methionine, which is neutral and non-polar, with valine, which is neutral and non-polar, at codon 453 of the TTC21B protein (p.Met453Val). This variant is present in population databases (rs754773733, gnomAD 0.004%). This variant has not been reported in the literature in individuals affected with TTC21B-related conditions. ClinVar contains an entry for this variant (Variation ID: 1392930). Invitae Evidence Modeling of protein sequence and biophysical properties (such as structural, functional, and spatial information, amino acid conservation, physicochemical variation, residue mobility, and thermodynamic stability) indicates that this missense variant is not expected to disrupt TTC21B protein function with a negative predictive value of 95%. In summary, the available evidence is currently insufficient to determine the role of this variant in disease. Therefore, it has been classified as a Variant of Uncertain Significance.

Fulgent Genetics
Classification: Uncertain significance for Asphyxiating thoracic dystrophy 4; Nephronophthisis 12. Last evaluated: 2024-06-11. Review status: criteria provided, single submitter. Criteria: ACMG Guidelines, 2015. Collection method: clinical testing. Allele origin: germline.

GeneDx
Classification: Uncertain significance. Last evaluated: 2022-05-18. Review status: criteria provided, single submitter. Criteria: GeneDx Variant Classification Process June 2021. Collection method: clinical testing. Allele origin: germline. Affected: yes.
Comment: Not observed at significant frequency in large population cohorts (gnomAD); In silico analysis supports that this missense variant does not alter protein structure/function; Has not been previously published as pathogenic or benign to our knowledge